The following is an entry in ClinVar:

ClinVar aggregate classification (germline): Uncertain significance (1 of 4 stars; one submission).

Allele frequency attached by ClinVar (database versions not stated): gnomAD exomes below 0.00001.

Submission:

Labcorp Genetics (formerly Invitae), Labcorp
Classification: Uncertain significance. Last evaluated: 2023-01-15. Review status: criteria provided, single submitter. Criteria: Invitae Variant Classification Sherloc (09022015). Collection method: clinical testing. Allele origin: germline.
Comment: In summary, the available evidence is currently insufficient to determine the role of this variant in disease. Therefore, it has been classified as a Variant of Uncertain Significance. Advanced modeling of protein sequence and biophysical properties (such as structural, functional, and spatial information, amino acid conservation, physicochemical variation, residue mobility, and thermodynamic stability) performed at Invitae indicates that this missense variant is not expected to disrupt ATP1A1 protein function. This variant has not been reported in the literature in individuals affected with ATP1A1-related conditions. This variant is not present in population databases (gnomAD no frequency). This sequence change replaces isoleucine, which is neutral and non-polar, with threonine, which is neutral and polar, at codon 106 of the ATP1A1 protein (p.Ile106Thr).

NM_000701.8(ATP1A1):c.317T>C (p.Ile106Thr)

Gene: ATP1A1 (ATPase Na+/K+ transporting subunit alpha 1; plus strand). Cytogenetic location: 1p13.1.
Variant type: single nucleotide variant.
Coding change: c.317T>C on transcript NM_000701.8 (MANE Select); coding-DNA position 317, T replaced by C.
Protein change: p.Ile106Thr; replaces isoleucine 106 with threonine.
Molecular consequence: missense variant.
Genome position (GRCh38, 1-based): chr1:116,387,421, T>C. VCF-style: chr1-116387421-T-C. GRCh37 (hg19) VCF-style: chr1-116930043-T-C.
Other names: c.317T>C, p.Ile106Thr (NM_001160233.2); c.224T>C, p.Ile75Thr (NM_001160234.2); short protein forms I75T, I106T.
Identifiers: ClinVar variation 2828657 (VCV002828657.3), dbSNP rs2525823767, ClinGen allele CA341841345.